The following is an entry in ClinVar:

ClinVar aggregate classification (germline): Uncertain significance. Review status: criteria provided, multiple submitters, no conflicts (2 of 4 stars). 2 submissions from 2 submitters: Uncertain significance (2). Last evaluated 2024-10-24.

Conditions:
Inflammatory skin and bowel disease, neonatal, 1. Identifiers: Orphanet 294023, MedGen C3280501, MONDO:0013693, OMIM 614328.

Allele frequency attached by ClinVar (database versions not stated): ExAC 0.00001; TOPMed 0.00001; gnomAD exomes 0.00002.
gnomAD v4.1: 33 of 1,610,368 alleles (0.002%); highest among the groups gnomAD compares: Middle Eastern, 0.017%; no homozygotes.

Submissions (2):

Labcorp Genetics (formerly Invitae), Labcorp
Classification: Uncertain significance for Inflammatory skin and bowel disease, neonatal, 1. Last evaluated: 2024-10-24. Review status: criteria provided, single submitter. Criteria: Invitae Variant Classification Sherloc (09022015). Collection method: clinical testing. Allele origin: germline.
Comment: This sequence change replaces leucine, which is neutral and non-polar, with serine, which is neutral and polar, at codon 668 of the ADAM17 protein (p.Leu668Ser). This variant is present in population databases (rs756429621, gnomAD 0.005%). This variant has not been reported in the literature in individuals affected with ADAM17-related conditions. ClinVar contains an entry for this variant (Variation ID: 936688). An algorithm developed to predict the effect of missense changes on protein structure and function (PolyPhen-2) suggests that this variant is likely to be disruptive. In summary, the available evidence is currently insufficient to determine the role of this variant in disease. Therefore, it has been classified as a Variant of Uncertain Significance.

CeGaT Center for Human Genetics Tuebingen
Classification: Uncertain significance. Last evaluated: 2024-01-01. Review status: criteria provided, single submitter. Criteria: CeGaT Center For Human Genetics Tuebingen Variant Classification Criteria Version 2. Collection method: clinical testing. Allele origin: germline. Affected: yes. Observed: 1 variant allele.
Comment: ADAM17: PM2

NM_003183.6(ADAM17):c.2003T>C (p.Leu668Ser)

Genes: ADAM17 (ADAM metallopeptidase domain 17; minus strand), IAH1 (isoamyl acetate hydrolyzing esterase 1 (putative); plus strand). Cytogenetic location: 2p25.1.
Variant type: single nucleotide variant.
Coding change: c.2003T>C on transcript NM_003183.6 (MANE Select); coding-DNA position 2003, T replaced by C.
Protein change: p.Leu668Ser; replaces leucine 668 with serine.
Molecular consequence: missense variant.
Genome position (GRCh38, 1-based): chr2:9,492,977, A>G on the plus strand (T>C on the coding strand, the complement: ADAM17 is on the minus strand). VCF-style: chr2-9492977-A-G. GRCh37 (hg19) VCF-style: chr2-9633106-A-G.
Other names: c.1343T>C, p.Leu448Ser (NM_001382777.1); c.1106T>C, p.Leu369Ser (NM_001382778.1); short protein forms L448S, L369S, L668S.
Identifiers: ClinVar variation 936688 (VCV000936688.29), dbSNP rs756429621, ClinGen allele CA1523344.
Genomic context (GRCh38, chr2:9,492,977, plus strand): 5'-CTGAAAGGAATCCAAAATATCAAGGAGAAAACCAGGACAGACCCAACGATGTTGTCTGCT[A>G]AAAACTTTCCTGTGAACAATTCCAAACAGTTAATGTCTTGACCAAGTACTTCACAAATCT-3'
Protein context (NP_003174.3, residues 658-678): QLSINTFGKF[Leu668Ser]ADNIVGSVLV